The following is an entry in ClinVar:

ClinVar aggregate classification (germline): Pathogenic (1 of 4 stars; one submission).

Submission:

Labcorp Genetics (formerly Invitae), Labcorp
Classification: Pathogenic. Last evaluated: 2023-07-27. Review status: criteria provided, single submitter. Criteria: Invitae Variant Classification Sherloc (09022015). Collection method: clinical testing. Allele origin: germline.
Comment: This sequence change creates a premature translational stop signal (p.Arg1931Cysfs*9) in the PCNT gene. It is expected to result in an absent or disrupted protein product. Loss-of-function variants in PCNT are known to be pathogenic (PMID: 18174396, 22821869). This variant is not present in population databases (gnomAD no frequency). For these reasons, this variant has been classified as Pathogenic. This variant has not been reported in the literature in individuals affected with PCNT-related conditions.

Literature cited by the submitters: PubMed 18174396; PubMed 22821869.

NM_006031.6(PCNT):c.5791_5797del (p.Arg1931fs)

Gene: PCNT (pericentrin; plus strand). Cytogenetic location: 21q22.3.
Variant type: Deletion.
Coding change: c.5791_5797del on transcript NM_006031.6 (MANE Select); coding-DNA positions 5791 to 5797, 7 bases deleted (CGCCAGC; older notation c.5791_5797delCGCCAGC).
Protein change: p.Arg1931fs; shifts the reading frame from arginine 1931.
Molecular consequence: frameshift variant.
Genome position (GRCh38, 1-based): chr21:46,411,864-46,411,870, CGCCAGC deleted; deleting any 7 consecutive bases within chr21:46,411,860-46,411,870 gives the same sequence; the c. name uses the placement nearest the transcript's 3' end. VCF-style (leftmost placement, unchanged base first): chr21-46411859-TCAGCCGC-T. GRCh37 (hg19) VCF-style: chr21-47831773-TCAGCCGC-T.
Other names: c.5437_5443del, p.Arg1813fs (NM_001315529.2); short protein forms R1931fs, R1813fs.
Identifiers: ClinVar variation 2744645 (VCV002744645.3), dbSNP rs2518772307, ClinGen allele CA2697547607.